The following is an entry in ClinVar:

NM_003062.4(SLIT3):c.4165T>C (p.Tyr1389His)

Gene: SLIT3 (slit guidance ligand 3; minus strand). Cytogenetic location: 5q34.
Variant type: single nucleotide variant.
Coding change: c.4165T>C on transcript NM_003062.4 (MANE Select); coding-DNA position 4165, T replaced by C.
Protein change: p.Tyr1389His; replaces tyrosine 1389 with histidine.
Molecular consequence: missense variant.
Genome position (GRCh38, 1-based): chr5:168,669,954, A>G on the plus strand (T>C on the coding strand, the complement: SLIT3 is on the minus strand). VCF-style: chr5-168669954-A-G. GRCh37 (hg19) VCF-style: chr5-168096959-A-G.
Other names: c.4186T>C, p.Tyr1396His (NM_001271946.2); short protein forms Y1389H, Y1396H.
Identifiers: ClinVar variation 2656045 (VCV002656045.24), dbSNP rs1462312638, ClinGen allele CA362089183.

ClinVar aggregate classification (germline): Uncertain significance (1 of 4 stars; one submission).

Allele frequency attached by ClinVar (database versions not stated): gnomAD 0.00001.
gnomAD v4.1: 1 of 1,614,066 alleles (0.000062%); highest among the groups gnomAD compares: African/African-American, 0.0013%; no homozygotes.

Submission:

CeGaT Center for Human Genetics Tuebingen
Classification: Uncertain significance. Last evaluated: 2023-08-01. Review status: criteria provided, single submitter. Criteria: CeGaT Center For Human Genetics Tuebingen Variant Classification Criteria Version 2. Collection method: clinical testing. Allele origin: germline. Affected: yes. Observed: 1 variant allele.
Comment: SLIT3: PM2